The following is an entry in ClinVar:

NM_012414.4(RAB3GAP2):c.1154G>A (p.Arg385His)

Gene: RAB3GAP2 (RAB3 GTPase activating non-catalytic protein subunit 2; minus strand). Cytogenetic location: 1q41.
Variant type: single nucleotide variant.
Coding change: c.1154G>A on transcript NM_012414.4 (MANE Select); coding-DNA position 1154, G replaced by A.
Protein change: p.Arg385His; replaces arginine 385 with histidine.
Molecular consequence: missense variant.
Genome position (GRCh38, 1-based): chr1:220,193,356, C>T on the plus strand (G>A on the coding strand, the complement: RAB3GAP2 is on the minus strand). VCF-style: chr1-220193356-C-T. GRCh37 (hg19) VCF-style: chr1-220366698-C-T.
Other names: short protein forms R385H.
Identifiers: ClinVar variation 3602965 (VCV003602965.1).

ClinVar aggregate classification (germline): Uncertain significance (1 of 4 stars; one submission).

gnomAD v4.1: 14 of 1,613,728 alleles (0.00087%); highest among the groups gnomAD compares: East Asian, 0.0022%; no homozygotes.

Submission:

GeneDx
Classification: Uncertain significance. Last evaluated: 2024-08-05. Review status: criteria provided, single submitter. Criteria: GeneDx Variant Classification Process June 2021. Collection method: clinical testing. Allele origin: germline. Affected: yes.
Comment: In silico analysis supports that this missense variant has a deleterious effect on protein structure/function; Has not been previously published as pathogenic or benign to our knowledge